The following is an entry in ClinVar:

NM_198253.3(TERT):c.1300T>A (p.Ser434Thr)

Gene: TERT (telomerase reverse transcriptase; minus strand). Cytogenetic location: 5p15.33.
Variant type: single nucleotide variant.
Coding change: c.1300T>A on transcript NM_198253.3 (MANE Select); coding-DNA position 1300, T replaced by A.
Protein change: p.Ser434Thr; replaces serine 434 with threonine.
Molecular consequence: missense variant. On other transcripts: non-coding transcript variant (2).
Genome position (GRCh38, 1-based): chr5:1,293,586, A>T on the plus strand (T>A on the coding strand, the complement: TERT is on the minus strand). VCF-style: chr5-1293586-A-T. GRCh37 (hg19) VCF-style: chr5-1293701-A-T.
Other names: c.1300T>A, p.Ser434Thr (NM_001193376.3); short protein forms S434T.
Identifiers: ClinVar variation 5030654 (VCV005030654.1).

ClinVar aggregate classification (germline): Uncertain significance (1 of 4 stars; one submission).

Conditions:
Dyskeratosis congenita. Identifiers: Orphanet 1775, MedGen C0265965, MONDO:0015780.

gnomAD v4.1: 1 of 1,545,864 alleles (0.000065%); highest among the groups gnomAD compares: Non-Finnish European, 0.000087%; no homozygotes.

Submission:

Ambry Genetics
Classification: Uncertain significance for Dyskeratosis congenita. Last evaluated: 2026-07-29. Review status: criteria provided, single submitter. Criteria: Ambry Variant Classification Scheme 2023. Collection method: clinical testing. Allele origin: germline.
Comment: The p.S434T variant (also known as c.1300T>A), located in coding exon 2 of the TERT gene, results from a T to A substitution at nucleotide position 1300. The serine at codon 434 is replaced by threonine, an amino acid with similar properties. This amino acid position is conserved. In addition, this alteration is predicted to be tolerated by in silico analysis. Based on the available evidence, the clinical significance of this variant remains unclear.